The following is an entry in ClinVar:

NM_015378.4(VPS13D):c.8470T>C (p.Cys2824Arg)

Gene: VPS13D (vacuolar protein sorting 13 homolog D; plus strand). Cytogenetic location: 1p36.22.
Variant type: single nucleotide variant.
Coding change: c.8470T>C on transcript NM_015378.4 (MANE Select); coding-DNA position 8470, T replaced by C.
Protein change: p.Cys2824Arg; replaces cysteine 2824 with arginine.
Molecular consequence: missense variant.
Genome position (GRCh38, 1-based): chr1:12,335,746, T>C. VCF-style: chr1-12335746-T-C. GRCh37 (hg19) VCF-style: chr1-12395803-T-C.
Other names: c.8470T>C, p.Cys2824Arg (NM_018156.4); short protein forms C2824R.
Identifiers: ClinVar variation 1423828 (VCV001423828.5), dbSNP rs753810427, ClinGen allele CA603128.

ClinVar aggregate classification (germline): Uncertain significance (1 of 4 stars; one submission).

Allele frequency attached by ClinVar (database versions not stated): TOPMed 0.00001; ExAC 0.00002; gnomAD exomes 0.00002.
gnomAD v4.1: 11 of 1,614,180 alleles (0.00068%); highest among the groups gnomAD compares: Non-Finnish European, 0.00093%; no homozygotes.

Submission:

Labcorp Genetics (formerly Invitae), Labcorp
Classification: Uncertain significance. Last evaluated: 2025-05-13. Review status: criteria provided, single submitter. Criteria: Invitae Variant Classification Sherloc (09022015). Collection method: clinical testing. Allele origin: germline.
Comment: This sequence change replaces cysteine, which is neutral and slightly polar, with arginine, which is basic and polar, at codon 2824 of the VPS13D protein (p.Cys2824Arg). This variant is present in population databases (rs753810427, gnomAD 0.004%). This variant has not been reported in the literature in individuals affected with VPS13D-related conditions. ClinVar contains an entry for this variant (Variation ID: 1423828). Invitae Evidence Modeling of protein sequence and biophysical properties (such as structural, functional, and spatial information, amino acid conservation, physicochemical variation, residue mobility, and thermodynamic stability) indicates that this missense variant is expected to disrupt VPS13D protein function with a positive predictive value of 80%. In summary, the available evidence is currently insufficient to determine the role of this variant in disease. Therefore, it has been classified as a Variant of Uncertain Significance.